The following is an entry in ClinVar:

NM_024675.4(PALB2):c.1785T>C (p.Asp595=)

Gene: PALB2 (partner and localizer of BRCA2; minus strand). Cytogenetic location: 16p12.2.
Variant type: single nucleotide variant.
Coding change: c.1785T>C on transcript NM_024675.4 (MANE Select); coding-DNA position 1785, T replaced by C.
Protein change: p.Asp595=; no amino-acid change (aspartic acid 595 retained).
Molecular consequence: synonymous variant.
Genome position (GRCh38, 1-based): chr16:23,630,369, A>G on the plus strand (T>C on the coding strand, the complement: PALB2 is on the minus strand). VCF-style: chr16-23630369-A-G. GRCh37 (hg19) VCF-style: chr16-23641690-A-G.
Identifiers: ClinVar variation 460911 (VCV000460911.23), dbSNP rs1555460651, ClinGen allele CA494461383.
Genomic context (GRCh38, chr16:23,630,369, plus strand): 5'-AGGTAACTGAAAGTCTGTGATACTGAGAAAAGACAGTAGTTGCTTTAAACTCAGCATTCC[A>G]TCCCTATGAAATGGAGCCGTGAAAGCATCATCATCCAAGGATAAATAAGCACTATTACTC-3'
Protein context (NP_078951.2, residues 585-605): DDAFTAPFHR[Asp595=]GMLSLKQLLS

ClinVar aggregate classification (germline): Benign/Likely benign. Review status: criteria provided, multiple submitters, no conflicts (2 of 4 stars). 6 submissions from 6 submitters: Benign (1); Likely benign (4). 1 of the submissions does not count toward it. Last evaluated 2025-01-14.

Conditions:
PALB2-related disorder. Also called: PALB2-related condition; PALB2-related disorders.
Hereditary cancer-predisposing syndrome. Also called: Neoplastic Syndromes, Hereditary; Hereditary Cancer Syndrome; Hereditary neoplastic syndrome; Tumor predisposition. Identifiers: Orphanet 140162, MedGen C0027672, MeSH D009386, MONDO:0015356.
Familial cancer of breast. Also called: BREAST CANCER, FAMILIAL; Hereditary breast cancer; hereditary breast carcinoma. Identifiers: Orphanet 227535, MedGen C0346153, MONDO:0016419, OMIM 114480. Disease mechanism: loss of function.

Allele frequency attached by ClinVar (database versions not stated): gnomAD exomes below 0.00001; gnomAD 0.00001; TOPMed 0.00001.
gnomAD v4.1: 2 of 1,614,026 alleles (0.00012%); highest among the groups gnomAD compares: African/African-American, 0.0013%; no homozygotes.

Submissions (6):

Myriad Genetics, Inc.
Classification: Benign for Familial cancer of breast. Last evaluated: 2025-01-14. Review status: criteria provided, single submitter. Criteria: Myriad Autosomal Dominant, Autosomal Recessive and X-Linked Classification Criteria (2023). Collection method: clinical testing. Allele origin: unknown.
Comment: This variant is considered benign. This variant is a silent/synonymous amino acid change and it is not expected to impact splicing.

Women's Health and Genetics/Laboratory Corporation of America, LabCorp
Classification: Likely benign. Last evaluated: 2025-01-05. Review status: criteria provided, single submitter. Criteria: LabCorp Variant Classification Summary - May 2015. Collection method: clinical testing. Allele origin: germline.

Labcorp Genetics (formerly Invitae), Labcorp
Classification: Likely benign for Familial cancer of breast. Last evaluated: 2024-11-18. Review status: criteria provided, single submitter. Criteria: Invitae Variant Classification Sherloc (09022015). Collection method: clinical testing. Allele origin: germline.

Color Diagnostics, LLC DBA Color Health
Classification: Likely benign for Hereditary cancer-predisposing syndrome. Last evaluated: 2018-10-22. Review status: criteria provided, single submitter. Criteria: ACMG Guidelines, 2015. Collection method: clinical testing. Allele origin: germline.

Ambry Genetics
Classification: Likely benign for Hereditary cancer-predisposing syndrome. Last evaluated: 2018-06-25. Review status: criteria provided, single submitter. Criteria: Ambry Variant Classification Scheme 2023. Collection method: clinical testing. Allele origin: germline.

PreventionGenetics, part of Exact Sciences
Classification: Likely benign for PALB2-related condition. Last evaluated: 2023-12-04. Review status: no assertion criteria provided. Collection method: clinical testing. Allele origin: germline. Not counted in ClinVar's aggregate classification.
Comment: This variant is classified as likely benign based on ACMG/AMP sequence variant interpretation guidelines (Richards et al. 2015 PMID: 25741868, with internal and published modifications).